The following is an entry in ClinVar:

ClinVar aggregate classification (germline): Uncertain significance (1 of 4 stars; one submission).

Allele frequency attached by ClinVar (database versions not stated): gnomAD exomes below 0.00001.
gnomAD v4.1: 1 of 1,614,190 alleles (0.000062%); highest among the groups gnomAD compares: African/African-American, 0.0013%; no homozygotes.

Submission:

Labcorp Genetics (formerly Invitae), Labcorp
Classification: Uncertain significance. Last evaluated: 2022-04-10. Review status: criteria provided, single submitter. Criteria: Invitae Variant Classification Sherloc (09022015). Collection method: clinical testing. Allele origin: germline.
Comment: In summary, the available evidence is currently insufficient to determine the role of this variant in disease. Therefore, it has been classified as a Variant of Uncertain Significance. This variant is not present in population databases (gnomAD no frequency). Algorithms developed to predict the effect of missense changes on protein structure and function are either unavailable or do not agree on the potential impact of this missense change (SIFT: "Tolerated"; PolyPhen-2: "Probably Damaging"; Align-GVGD: "Class C0"). This variant has not been reported in the literature in individuals affected with ASAH1-related conditions. This sequence change replaces alanine, which is neutral and non-polar, with valine, which is neutral and non-polar, at codon 337 of the ASAH1 protein (p.Ala337Val).

NM_177924.5(ASAH1):c.1010C>T (p.Ala337Val)

Gene: ASAH1 (N-acylsphingosine amidohydrolase 1; minus strand). Cytogenetic location: 8p22.
Variant type: single nucleotide variant.
Coding change: c.1010C>T on transcript NM_177924.5 (MANE Select); coding-DNA position 1010, C replaced by T.
Protein change: p.Ala337Val; replaces alanine 337 with valine.
Molecular consequence: missense variant.
Genome position (GRCh38, 1-based): chr8:18,059,372, G>A on the plus strand (C>T on the coding strand, the complement: ASAH1 is on the minus strand). VCF-style: chr8-18059372-G-A. GRCh37 (hg19) VCF-style: chr8-17916881-G-A.
Other names: c.992C>T, p.Ala331Val (NM_001127505.3); c.815C>T, p.Ala272Val (NM_001363743.2); c.1058C>T, p.Ala353Val (NM_004315.6); short protein forms A337V, A272V, A353V, A331V.
Identifiers: ClinVar variation 2124156 (VCV002124156.4), dbSNP rs2537915670, ClinGen allele CA370427332.